The following is an entry in ClinVar:

NM_000091.5(COL4A3):c.1115-1G>A

Genes: COL4A3 (collagen type IV alpha 3 chain; plus strand), MFF-DT (MFF divergent transcript; minus strand). Cytogenetic location: 2q36.3.
Variant type: single nucleotide variant.
Coding change: c.1115-1G>A on transcript NM_000091.5 (MANE Select); the canonical splice acceptor site of the intron before coding-DNA position 1115, G replaced by A.
Molecular consequence: splice acceptor variant.
Genome position (GRCh38, 1-based): chr2:227,261,081, G>A. VCF-style: chr2-227261081-G-A. GRCh37 (hg19) VCF-style: chr2-228125797-G-A.
Identifiers: ClinVar variation 3657790 (VCV003657790.3).

ClinVar aggregate classification (germline): Conflicting classifications of pathogenicity. Review status: criteria provided, conflicting classifications (1 of 4 stars). 2 submissions from 2 submitters: Likely pathogenic (1); Uncertain significance (1). Last evaluated 2024-09-21.

Submissions (2):

Labcorp Genetics (formerly Invitae), Labcorp
Classification: Likely pathogenic. Last evaluated: 2024-09-21. Review status: criteria provided, single submitter. Criteria: Invitae Variant Classification Sherloc (09022015). Collection method: clinical testing. Allele origin: germline.
Comment: This sequence change affects an acceptor splice site in intron 19 of the COL4A3 gene. It is expected to disrupt RNA splicing. Variants that disrupt the donor or acceptor splice site typically lead to a loss of protein function (PMID: 16199547), and loss-of-function variants in COL4A3 are known to be pathogenic (PMID: 8956999, 24854265, 26809805, 27281700). This variant is not present in population databases (gnomAD no frequency). This variant has not been reported in the literature in individuals affected with COL4A3-related conditions. Algorithms developed to predict the effect of sequence changes on RNA splicing suggest that this variant may disrupt the consensus splice site. In summary, the currently available evidence indicates that the variant is pathogenic, but additional data are needed to prove that conclusively. Therefore, this variant has been classified as Likely Pathogenic.

Blueprint Genetics
Classification: Uncertain significance. Last evaluated: 2023-01-27. Review status: criteria provided, single submitter. Criteria: ACMG Guidelines, 2015. Collection method: clinical testing. Allele origin: germline.

Literature cited by the submitters: PubMed 16199547 (cited by Labcorp Genetics (formerly Invitae), Labcorp); PubMed 8956999 (cited by Labcorp Genetics (formerly Invitae), Labcorp); PubMed 24854265 (cited by Labcorp Genetics (formerly Invitae), Labcorp); PubMed 26809805 (cited by Labcorp Genetics (formerly Invitae), Labcorp); PubMed 27281700 (cited by Labcorp Genetics (formerly Invitae), Labcorp).